The following is an entry in ClinVar:

NM_005223.4(DNASE1):c.528C>G (p.Val176=)

Gene: DNASE1 (deoxyribonuclease 1; plus strand). Cytogenetic location: 16p13.3.
Variant type: single nucleotide variant.
Coding change: c.528C>G on transcript NM_005223.4 (MANE Select); coding-DNA position 528, C replaced by G.
Protein change: p.Val176=; no amino-acid change (valine 176 retained).
Molecular consequence: synonymous variant. On other transcripts: non-coding transcript variant (2).
Genome position (GRCh38, 1-based): chr16:3,657,090, C>G. VCF-style: chr16-3657090-C-G. GRCh37 (hg19) VCF-style: chr16-3707091-C-G.
Other names: p.Val176=; c.528C>G, p.Val176= (NM_001351825.2, NM_001387135.1, NM_001387140.1); c.597C>G, p.Val199= (NM_001387139.1); c.321C>G, p.Val107= (NM_001387141.1).
Identifiers: ClinVar variation 3059079 (VCV003059079.3), dbSNP rs8176938, ClinGen allele CA7867338.

ClinVar aggregate classification (germline): Benign. Review status: criteria provided, single submitter (1 of 4 stars). 2 submissions from 2 submitters: Benign (1). 1 of the submissions does not count toward it. Last evaluated 2023-08-15.

Conditions:
DNASE1-related disorder. Also called: DNASE1-related condition.

Allele frequency attached by ClinVar (database versions not stated): ESP Exome Variant Server 0.03556; gnomAD exomes 0.04101; 1000 Genomes Project 0.01797; 1000 Genomes Project 30x 0.01921; TOPMed 0.03103; ExAC 0.03261; gnomAD 0.03079.
gnomAD v4.1: 64,508 of 1,614,074 alleles (4%); highest among the groups gnomAD compares: Non-Finnish European, 4.6%; 1,544 homozygotes.

Submissions (2):

Mayo Clinic Laboratories, Mayo Clinic
Classification: Benign. Last evaluated: 2023-08-15. Review status: criteria provided, single submitter. Criteria: ACMG Guidelines, 2015. Collection method: clinical testing. Allele origin: germline. Observed: 30 variant alleles.
Comment: BS1, BS2, BP4, BP7

PreventionGenetics, part of Exact Sciences
Classification: Benign for DNASE1-related condition. Last evaluated: 2024-01-05. Review status: no assertion criteria provided. Collection method: clinical testing. Allele origin: germline. Not counted in ClinVar's aggregate classification.
Comment: This variant is classified as benign based on ACMG/AMP sequence variant interpretation guidelines (Richards et al. 2015 PMID: 25741868, with internal and published modifications).

Literature cited by the submitters: PubMed 22701800 (cited by Mayo Clinic Laboratories, Mayo Clinic).